The following is an entry in ClinVar:

ClinVar aggregate classification (germline): Uncertain significance (1 of 4 stars; one submission).

Conditions:
ASH1L-related disorder. Also called: ASH1L-related condition.

Allele frequency attached by ClinVar (database versions not stated): TOPMed below 0.00001; gnomAD 0.00001.
gnomAD v4.1: 1 of 1,613,998 alleles (0.000062%); highest among the groups gnomAD compares: Admixed American, 0.0017%; no homozygotes.

Submission:

PreventionGenetics, part of Exact Sciences
Classification: Uncertain significance for ASH1L-related condition. Last evaluated: 2026-04-08. Review status: criteria provided, single submitter. Criteria: ACMG Guidelines, 2015. Collection method: clinical testing. Allele origin: germline.
Comment: The ASH1L c.7561T>C variant is predicted to result in the amino acid substitution p.Tyr2521His. To our knowledge, this variant has not been reported in the literature or in a large population database (gnomAD), indicating this variant is rare. At this time, the clinical significance of this variant is uncertain due to the absence of conclusive functional and genetic evidence.

NM_018489.3(ASH1L):c.7561T>C (p.Tyr2521His)

Gene: ASH1L (ASH1 like histone lysine methyltransferase; minus strand). Cytogenetic location: 1q22.
Variant type: single nucleotide variant.
Coding change: c.7561T>C on transcript NM_018489.3 (MANE Select); coding-DNA position 7561, T replaced by C.
Protein change: p.Tyr2521His; replaces tyrosine 2521 with histidine.
Molecular consequence: missense variant.
Genome position (GRCh38, 1-based): chr1:155,347,898, A>G on the plus strand (T>C on the coding strand, the complement: ASH1L is on the minus strand). VCF-style: chr1-155347898-A-G. GRCh37 (hg19) VCF-style: chr1-155317689-A-G.
Other names: c.7576T>C, p.Tyr2526His (NM_001366177.2); short protein forms Y2521H, Y2526H.
Identifiers: ClinVar variation 2632313 (VCV002632313.2), dbSNP rs1383265101, ClinGen allele CA342739323.